The following is an entry in ClinVar:

ClinVar aggregate classification (germline): Uncertain significance. Review status: criteria provided, multiple submitters, no conflicts (2 of 4 stars). 2 submissions from 2 submitters: Uncertain significance (2). Last evaluated 2024-11-24.

Conditions:
Inborn genetic diseases. Identifiers: MedGen C0950123, MeSH D030342.
Fanconi anemia (FA). Also called: Fanconi's anemia. Identifiers: Orphanet 84, MedGen C0015625, MeSH D005199, MONDO:0019391.

Allele frequency attached by ClinVar (database versions not stated): gnomAD 0.00001; gnomAD exomes 0.00001; TOPMed 0.00001; ESP Exome Variant Server 0.00008.
gnomAD v4.1: 15 of 1,609,446 alleles (0.00093%); highest among the groups gnomAD compares: African/African-American, 0.0013%; no homozygotes.

Submissions (2):

Ambry Genetics
Classification: Uncertain significance for Inborn genetic diseases. Last evaluated: 2024-11-24. Review status: criteria provided, single submitter. Criteria: Ambry Variant Classification Scheme 2023. Collection method: clinical testing. Allele origin: germline.
Comment: The p.F1484L variant (also known as c.4452C>G), located in coding exon 17 of the FANCM gene, results from a C to G substitution at nucleotide position 4452. The phenylalanine at codon 1484 is replaced by leucine, an amino acid with highly similar properties. This amino acid position is conserved. In addition, this alteration is predicted to be tolerated by in silico analysis. Based on the available evidence, the clinical significance of this variant remains unclear.

Labcorp Genetics (formerly Invitae), Labcorp
Classification: Uncertain significance for Fanconi anemia. Last evaluated: 2024-08-12. Review status: criteria provided, single submitter. Criteria: Invitae Variant Classification Sherloc (09022015). Collection method: clinical testing. Allele origin: germline.
Comment: This sequence change replaces phenylalanine, which is neutral and non-polar, with leucine, which is neutral and non-polar, at codon 1484 of the FANCM protein (p.Phe1484Leu). This variant is present in population databases (rs143239291, gnomAD 0.01%). This variant has not been reported in the literature in individuals affected with FANCM-related conditions. ClinVar contains an entry for this variant (Variation ID: 1390114). An algorithm developed to predict the effect of missense changes on protein structure and function (PolyPhen-2) suggests that this variant is likely to be tolerated. In summary, the available evidence is currently insufficient to determine the role of this variant in disease. Therefore, it has been classified as a Variant of Uncertain Significance.

NM_020937.4(FANCM):c.4452C>G (p.Phe1484Leu)

Gene: FANCM (FA complementation group M; plus strand). Cytogenetic location: 14q21.2.
Variant type: single nucleotide variant.
Coding change: c.4452C>G on transcript NM_020937.4 (MANE Select); coding-DNA position 4452, C replaced by G.
Protein change: p.Phe1484Leu; replaces phenylalanine 1484 with leucine.
Molecular consequence: missense variant.
Genome position (GRCh38, 1-based): chr14:45,183,839, C>G. VCF-style: chr14-45183839-C-G. GRCh37 (hg19) VCF-style: chr14-45653042-C-G.
Other names: c.4374C>G, p.Phe1458Leu (NM_001308133.2); c.4452C>G (NM_020937.2); short protein forms F1458L, F1484L.
Identifiers: ClinVar variation 1390114 (VCV001390114.8), dbSNP rs143239291, ClinGen allele CA259634085.